The following is an entry in ClinVar:

NM_004415.4(DSP):c.2986-8T>C

Gene: DSP (desmoplakin; plus strand). Cytogenetic location: 6p24.3.
Variant type: single nucleotide variant.
Coding change: c.2986-8T>C on transcript NM_004415.4 (MANE Select); 8 bases into the intron before coding-DNA position 2986, T replaced by C.
Molecular consequence: intron variant.
Genome position (GRCh38, 1-based): chr6:7,578,456, T>C. VCF-style: chr6-7578456-T-C. GRCh37 (hg19) VCF-style: chr6-7578689-T-C.
Other names: c.2986-8T>C (NM_001319034.2, NM_001008844.3).
Identifiers: ClinVar variation 3069366 (VCV003069366.1), dbSNP rs2533919546, ClinGen allele CA2825001484.
Genomic context (GRCh38, chr6:7,578,456, plus strand): 5'-GGTCAAATTACATAGGACTTTTTTTTTAATGCAATATCTTTTTCTTTCTTTCCTTCCTTT[T>C]CTCCAAGGCTGCAGATGTTCATGCTCGGTACATTGAACTACTTACAAGATCTGGAGACTA-3'

ClinVar aggregate classification (germline): Likely benign (1 of 4 stars; one submission).

Conditions:
Arrhythmogenic cardiomyopathy with wooly hair and keratoderma. Also called: Carvajal syndrome; PALMOPLANTAR KERATODERMA WITH LEFT VENTRICULAR CARDIOMYOPATHY AND WOOLLY HAIR; Dilated cardiomyopathy with woolly hair and keratoderma; Arrhythmogenic cardiomyopathy with woolly hair and keratoderma. Identifiers: Orphanet 65282, MedGen C1854063, MONDO:0011581, OMIM 605676.

Submission:

All of Us Research Program, National Institutes of Health
Classification: Likely benign for Arrhythmogenic cardiomyopathy with wooly hair and keratoderma. Last evaluated: 2023-02-15. Review status: criteria provided, single submitter. Criteria: ACMG Guidelines, 2015. Collection method: clinical testing. Allele origin: germline. Inheritance: Autosomal dominant inheritance. Observed: 1 variant allele, 1 heterozygote.
Comment: This study involves interpretation of variants in research participants for the purpose of population health screening. Participant phenotype was not available at the time of variant classification. Additional details can be found in publication PMID: 35346344, PMCID: PMC8962531